The following is an entry in ClinVar:

NM_001184900.3(CARD8):c.335G>C (p.Gly112Ala)

Gene: CARD8 (caspase recruitment domain family member 8; minus strand). Cytogenetic location: 19q13.33.
Variant type: single nucleotide variant.
Coding change: c.335G>C on transcript NM_001184900.3 (MANE Select); coding-DNA position 335, G replaced by C.
Protein change: p.Gly112Ala; replaces glycine 112 with alanine.
Molecular consequence: missense variant. On other transcripts: 5 prime UTR variant (1), non-coding transcript variant (4).
Genome position (GRCh38, 1-based): chr19:48,234,418, C>G on the plus strand (G>C on the coding strand, the complement: CARD8 is on the minus strand). VCF-style: chr19-48234418-C-G. GRCh37 (hg19) VCF-style: chr19-48737675-C-G.
Other names: c.185G>C, p.Gly62Ala (NM_001184901.1, NM_001351783.2, NM_001351788.2 and 2 more transcripts); c.335G>C, p.Gly112Ala (NM_001184902.2, NM_001184903.1, NM_001351782.2); c.61G>C, p.Gly21Arg (NM_001351784.2, NM_001351787.2, NM_001351791.2 and 2 more transcripts); c.-154G>C (NM_001351786.2); c.133G>C, p.Gly45Arg (NM_001351790.2); c.335G>C (NM_001184900.1); short protein forms G21R, G62A, G112A, G45R.
Identifiers: ClinVar variation 1349125 (VCV001349125.7), dbSNP rs1264418977, ClinGen allele CA406646873.

ClinVar aggregate classification (germline): Uncertain significance. Review status: criteria provided, single submitter (1 of 4 stars). 2 submissions from 2 submitters: Uncertain significance (1). 1 of the submissions does not count toward it. Last evaluated 2025-10-19.

Conditions:
CARD8-related disorder. Also called: CARD8-related condition.

Allele frequency attached by ClinVar (database versions not stated): gnomAD 0.00001; TOPMed 0.00001.

Submissions (2):

Labcorp Genetics (formerly Invitae), Labcorp
Classification: Uncertain significance. Last evaluated: 2025-10-19. Review status: criteria provided, single submitter. Criteria: Invitae Variant Classification Sherloc (09022015). Collection method: clinical testing. Allele origin: germline.
Comment: This sequence change replaces glycine, which is neutral and non-polar, with alanine, which is neutral and non-polar, at codon 62 of the CARD8 protein (p.Gly62Ala). This variant is not present in population databases (gnomAD no frequency). This variant has not been reported in the literature in individuals affected with CARD8-related conditions. ClinVar contains an entry for this variant (Variation ID: 1349125). An algorithm developed to predict the effect of missense changes on protein structure and function (PolyPhen-2) suggests that this variant is likely to be tolerated. In summary, the available evidence is currently insufficient to determine the role of this variant in disease. Therefore, it has been classified as a Variant of Uncertain Significance.

PreventionGenetics, part of Exact Sciences
Classification: Uncertain significance for CARD8-related condition. Last evaluated: 2024-03-14. Review status: no assertion criteria provided. Collection method: clinical testing. Allele origin: germline. Not counted in ClinVar's aggregate classification.
Comment: The CARD8 c.335G>C variant is predicted to result in the amino acid substitution p.Gly112Ala. To our knowledge, this variant has not been reported in the literature or in a large population database, indicating this variant is rare. At this time, the clinical significance of this variant is uncertain due to the absence of conclusive functional and genetic evidence.